The following is an entry in ClinVar:

ClinVar aggregate classification (germline): Uncertain significance (1 of 4 stars; one submission).

Submission:

Ambry Genetics
Classification: Uncertain significance. Last evaluated: 2026-05-24. Review status: criteria provided, single submitter. Criteria: Ambry Variant Classification Scheme 2023. Collection method: clinical testing. Allele origin: germline.
Comment: The p.E1269A variant (also known as c.3806A>C), located in coding exon 7 of the MLH3 gene, results from an A to C substitution at nucleotide position 3806. The glutamic acid at codon 1269 is replaced by alanine, an amino acid with dissimilar properties. This amino acid position is conserved. In addition, the in silico prediction for this alteration is inconclusive. Based on the available evidence, the clinical significance of this variant remains unclear.

NM_001040108.2(MLH3):c.3806A>C (p.Glu1269Ala)

Gene: MLH3 (mutL homolog 3; minus strand). Cytogenetic location: 14q24.3.
Variant type: single nucleotide variant.
Coding change: c.3806A>C on transcript NM_001040108.2 (MANE Select); coding-DNA position 3806, A replaced by C.
Protein change: p.Glu1269Ala; replaces glutamic acid 1269 with alanine.
Molecular consequence: missense variant.
Genome position (GRCh38, 1-based): chr14:75,032,089, T>G on the plus strand (A>C on the coding strand, the complement: MLH3 is on the minus strand). VCF-style: chr14-75032089-T-G. GRCh37 (hg19) VCF-style: chr14-75498792-T-G.
Other names: c.3734A>C, p.Glu1245Ala (NM_014381.3); short protein forms E1245A, E1269A.
Identifiers: ClinVar variation 4860217 (VCV004860217.1).